The following is an entry in ClinVar:

NM_002850.4(PTPRS):c.4614+10_4614+15del

Gene: PTPRS (protein tyrosine phosphatase receptor type S; minus strand). Cytogenetic location: 19p13.3.
Variant type: Deletion.
Coding change: c.4614+10_4614+15del on transcript NM_002850.4 (MANE Select); bases 10 to 15 of the intron after coding-DNA position 4614, 6 bases deleted (AGGCTG; older notation c.4614+10_4614+15delAGGCTG).
Molecular consequence: intron variant.
Genome position (GRCh38, 1-based): chr19:5,214,346-5,214,351, CAGCCT deleted on the plus strand (AGGCTG on the coding strand, the reverse complement: PTPRS is on the minus strand). VCF-style (leftmost placement, unchanged base first): chr19-5214345-CCAGCCT-C. GRCh37 (hg19) VCF-style: chr19-5214356-CCAGCCT-C.
Other names: c.3273+10_3273+15del (NM_130853.3); c.4488+10_4488+15del (NM_001394013.1); c.4500+10_4500+15del (NM_130854.3); c.4548+10_4548+15del (NM_001394011.1); c.4527+10_4527+15del (NM_001394012.1); c.3285+10_3285+15del (NM_130855.3).
Identifiers: ClinVar variation 3046410 (VCV003046410.2), dbSNP rs762250407, ClinGen allele CA9109063.
Genomic context (GRCh38, chr19:5,214,345, plus strand): 5'-GTAGAAGCTGGGGCCCTCTGCCTCCCTTCCAACACATTCCTCCACCCTCAGCCCCCAGCC[CCAGCCT>C]GGGCCCCACCTTGTGCAGAGAGAATGTCCTGACGCAGAATGTGGCCAGCTCGATGGTATC-3'

ClinVar aggregate classification (germline): Likely benign (0 of 4 stars; one submission).

Conditions:
PTPRS-related disorder. Also called: PTPRS-related condition.

Allele frequency attached by ClinVar (database versions not stated): gnomAD exomes 0.00001; ExAC 0.00008; gnomAD 0.00019; ESP Exome Variant Server 0.00024; TOPMed 0.00024.

Submission:

PreventionGenetics, part of Exact Sciences
Classification: Likely benign for PTPRS-related condition. Last evaluated: 2019-03-12. Review status: no assertion criteria provided. Collection method: clinical testing. Allele origin: germline.
Comment: This variant is classified as likely benign based on ACMG/AMP sequence variant interpretation guidelines (Richards et al. 2015 PMID: 25741868, with internal and published modifications).